The following is an entry in ClinVar:

ClinVar aggregate classification (germline): Uncertain significance. Review status: criteria provided, multiple submitters, no conflicts (2 of 4 stars). 2 submissions from 2 submitters: Uncertain significance (2). Last evaluated 2026-08-22.

Conditions:
Charcot-Marie-Tooth disease axonal type 2O. Also called: CHARCOT-MARIE-TOOTH NEUROPATHY, AXONAL, TYPE 2O; CHARCOT-MARIE-TOOTH DISEASE, AXONAL, AUTOSOMAL DOMINANT, TYPE 2O; Charcot-Marie-Tooth Neuropathy Type 2O; Charcot-Marie-Tooth disease, axonal, type 20. Identifiers: Orphanet 284232, MedGen C3280220, MONDO:0013644, OMIM 614228.

Submissions (2):

GeneDx
Classification: Uncertain significance. Last evaluated: 2026-08-22. Review status: criteria provided, single submitter. Criteria: GeneDx Variant Classification Process June 2021. Collection method: clinical testing. Allele origin: germline.
Comment: Not observed at significant frequency in large population cohorts (gnomAD); In silico analysis supports that this missense variant has a deleterious effect on protein structure/function; Has not been previously published as pathogenic or benign to our knowledge; This variant is associated with the following publications: (PMID: 25512093, 25609763, 26100331)

Labcorp Genetics (formerly Invitae), Labcorp
Classification: Uncertain significance for Charcot-Marie-Tooth disease axonal type 2O. Last evaluated: 2024-05-14. Review status: criteria provided, single submitter. Criteria: Invitae Variant Classification Sherloc (09022015). Collection method: clinical testing. Allele origin: germline.
Comment: This sequence change replaces threonine, which is neutral and polar, with proline, which is neutral and non-polar, at codon 1913 of the DYNC1H1 protein (p.Thr1913Pro). This variant is not present in population databases (gnomAD no frequency). This variant has not been reported in the literature in individuals affected with DYNC1H1-related conditions. Advanced modeling of protein sequence and biophysical properties (such as structural, functional, and spatial information, amino acid conservation, physicochemical variation, residue mobility, and thermodynamic stability) performed at Invitae indicates that this missense variant is expected to disrupt DYNC1H1 protein function with a positive predictive value of 95%. In summary, the available evidence is currently insufficient to determine the role of this variant in disease. Therefore, it has been classified as a Variant of Uncertain Significance.

NM_001376.5(DYNC1H1):c.5737A>C (p.Thr1913Pro)

Gene: DYNC1H1 (dynein cytoplasmic 1 heavy chain 1; plus strand). Cytogenetic location: 14q32.31.
Variant type: single nucleotide variant.
Coding change: c.5737A>C on transcript NM_001376.5 (MANE Select); coding-DNA position 5737, A replaced by C.
Protein change: p.Thr1913Pro; replaces threonine 1913 with proline.
Molecular consequence: missense variant.
Genome position (GRCh38, 1-based): chr14:102,007,028, A>C. VCF-style: chr14-102007028-A-C. GRCh37 (hg19) VCF-style: chr14-102473365-A-C.
Other names: short protein forms T1913P.
Identifiers: ClinVar variation 3381507 (VCV003381507.4).
Genomic context (GRCh38, chr14:102,007,028, plus strand): 5'-GGTAATGGACTCAAGCACTCTGTTGCTTTTCTTTAAACAGGACCTGCTGGAACTGGGAAA[A>C]CAGAGTCTGTCAAAGCTCTTGGCCATCAGCTTGGACGGTTTGTTTTAGTTTTCAACTGTG-3'
Protein context (NP_001367.2, residues 1903-1923): SPFGPAGTGK[Thr1913Pro]ESVKALGHQL